The following is an entry in ClinVar:

ClinVar aggregate classification (germline): Likely benign. Review status: criteria provided, multiple submitters, no conflicts (2 of 4 stars). 4 submissions from 4 submitters: Likely benign (3). 1 of the submissions does not count toward it. Last evaluated 2026-01-17.

Conditions:
Inborn genetic diseases. Identifiers: MedGen C0950123, MeSH D030342.
TRMT5-related disorder. Also called: TRMT5-related condition.

Allele frequency attached by ClinVar (database versions not stated): gnomAD exomes 0.00007 and 0.00017; ExAC 0.00021; TOPMed 0.00067; gnomAD 0.00076 and 0.00083; ESP Exome Variant Server 0.00077; 1000 Genomes Project 0.00080; 1000 Genomes Project 30x 0.00109.
gnomAD v4.1: 218 of 1,614,220 alleles (0.014%); highest among the groups gnomAD compares: African/African-American, 0.26%; no homozygotes.

Submissions (4):

Labcorp Genetics (formerly Invitae), Labcorp
Classification: Likely benign. Last evaluated: 2026-01-17. Review status: criteria provided, single submitter. Criteria: Invitae Variant Classification Sherloc (09022015). Collection method: clinical testing. Allele origin: germline.

CeGaT Center for Human Genetics Tuebingen
Classification: Likely benign. Last evaluated: 2025-10-01. Review status: criteria provided, single submitter. Criteria: CeGaT Center For Human Genetics Tuebingen Variant Classification Criteria Version 2. Collection method: clinical testing. Allele origin: germline. Affected: yes. Observed: 1 variant allele.
Comment: TRMT5: BP4

Ambry Genetics
Classification: Likely benign for Inborn genetic diseases. Last evaluated: 2025-08-08. Review status: criteria provided, single submitter. Criteria: Ambry Variant Classification Scheme 2023. Collection method: clinical testing. Allele origin: germline.

PreventionGenetics, part of Exact Sciences
Classification: Likely benign for TRMT5-related condition. Last evaluated: 2024-02-15. Review status: no assertion criteria provided. Collection method: clinical testing. Allele origin: germline. Not counted in ClinVar's aggregate classification.
Comment: This variant is classified as likely benign based on ACMG/AMP sequence variant interpretation guidelines (Richards et al. 2015 PMID: 25741868, with internal and published modifications).

NM_020810.3(TRMT5):c.1150G>A (p.Val384Ile)

Gene: TRMT5 (tRNA methyltransferase 5; minus strand). Cytogenetic location: 14q23.1.
Variant type: single nucleotide variant.
Coding change: c.1150G>A on transcript NM_020810.3 (MANE Select); coding-DNA position 1150, G replaced by A.
Protein change: p.Val384Ile; replaces valine 384 with isoleucine.
Molecular consequence: missense variant.
Genome position (GRCh38, 1-based): chr14:60,975,769, C>T on the plus strand (G>A on the coding strand, the complement: TRMT5 is on the minus strand). VCF-style: chr14-60975769-C-T. GRCh37 (hg19) VCF-style: chr14-61442487-C-T.
Other names: c.1150G>A (NM_020810.2); c.1234G>A, p.Val412Ile (NM_001350253.1); c.1231G>A, p.Val411Ile (NM_001350254.1); short protein forms V384I, V411I, V412I.
Identifiers: ClinVar variation 1665813 (VCV001665813.17), dbSNP rs146865349, ClinGen allele CA7213766.